The following is an entry in ClinVar:

NM_001199823.3(NEDD8-MDP1):c.451C>G (p.Leu151Val)

Genes: MDP1 (magnesium dependent phosphatase 1; minus strand), NEDD8-MDP1 (NEDD8-MDP1 readthrough; minus strand). Cytogenetic location: 14q12.
Variant type: single nucleotide variant.
Coding change: c.451C>G on transcript NM_001199823.3; coding-DNA position 451, C replaced by G.
Protein change: p.Leu151Val; replaces leucine 151 with valine.
Molecular consequence: missense variant. On other transcripts: non-coding transcript variant (3), intron variant (1).
Genome position (GRCh38, 1-based): chr14:24,214,313, G>C on the plus strand (C>G on the coding strand, the complement: NEDD8-MDP1 is on the minus strand). VCF-style: chr14-24214313-G-C. GRCh37 (hg19) VCF-style: chr14-24683519-G-C.
Other names: c.400C>G, p.Leu134Val (NM_001199822.2, NM_138476.4); c.264-162C>G (NM_001199821.2); short protein forms L151V, L134V.
Identifiers: ClinVar variation 161565 (VCV000161565.2), dbSNP rs193921062, ClinGen allele CA174354.
Genomic context (GRCh38, chr14:24,214,313, plus strand): 5'-TGTATCTACCTAATCCCTCCTAGGGACCCCAAATGGCTGTTCCTCATCACTCAGTACCCA[G>C]TTTGCTGACGTCTACAATATTCCGCCTCTCATCATCAAAGAAGATCATCTGGGAGAAAGG-3'

ClinVar aggregate classification (germline): Uncertain significance (0 of 4 stars; one submission).

Conditions:
Prostate cancer. Also called: Malignant tumor of prostate. Identifiers: Orphanet 1331, MedGen C0376358, MONDO:0008315, HP:0012125.

Submission:

Science for Life laboratory,  Karolinska Institutet
Classification: Uncertain significance for Malignant tumor of prostate. Review status: no assertion criteria provided. Collection method: not provided. Allele origin: somatic.
Comment: TumorID:SWE-90A
ClinVar note: Converted during submission from Unknown to Uncertain significance.